The following is an entry in ClinVar:

ClinVar aggregate classification (germline): Uncertain significance. Review status: criteria provided, multiple submitters, no conflicts (2 of 4 stars). 2 submissions from 2 submitters: Uncertain significance (2). Last evaluated 2023-09-15.

Conditions:
Cardiovascular phenotype. Identifiers: MedGen CN230736.
Duchenne muscular dystrophy (DMD). Also called: MUSCULAR DYSTROPHY, PSEUDOHYPERTROPHIC PROGRESSIVE, DUCHENNE TYPE; Duchenne Muscular Dystrophy (DMD). Identifiers: Orphanet 98896, MedGen C0013264, MONDO:0010679, OMIM 310200.

Submissions (2):

Ambry Genetics
Classification: Uncertain significance for Cardiovascular phenotype. Last evaluated: 2023-09-15. Review status: criteria provided, single submitter. Criteria: Ambry Variant Classification Scheme 2023. Collection method: clinical testing. Allele origin: germline.
Comment: The p.S2678T variant (also known as c.8033G>C), located in coding exon 55 of the DMD gene, results from a G to C substitution at nucleotide position 8033. The serine at codon 2678 is replaced by threonine, an amino acid with similar properties. This amino acid position is not well conserved in available vertebrate species. In addition, this alteration is predicted to be tolerated by in silico analysis. Since supporting evidence is limited at this time, the clinical significance of this alteration remains unclear.

Labcorp Genetics (formerly Invitae), Labcorp
Classification: Uncertain significance for Duchenne muscular dystrophy. Last evaluated: 2021-09-17. Review status: criteria provided, single submitter. Criteria: Invitae Variant Classification Sherloc (09022015). Collection method: clinical testing. Allele origin: germline.
Comment: This sequence change replaces serine with threonine at codon 2678 of the DMD protein (p.Ser2678Thr). The serine residue is highly conserved and there is a small physicochemical difference between serine and threonine. This variant is not present in population databases (ExAC no frequency). This variant has not been reported in the literature in individuals with DMD-related conditions. Algorithms developed to predict the effect of missense changes on protein structure and function output the following: SIFT: "Tolerated"; PolyPhen-2: "Benign"; Align-GVGD: "Class C0". The threonine amino acid residue is found in multiple mammalian species, suggesting that this missense change does not adversely affect protein function. These predictions have not been confirmed by published functional studies and their clinical significance is uncertain. In summary, the available evidence is currently insufficient to determine the role of this variant in disease. Therefore, it has been classified as a Variant of Uncertain Significance.

NM_004006.3(DMD):c.8033G>C (p.Ser2678Thr)

Gene: DMD (dystrophin; minus strand). Cytogenetic location: Xp21.1.
Variant type: single nucleotide variant.
Coding change: c.8033G>C on transcript NM_004006.3 (MANE Select); coding-DNA position 8033, G replaced by C.
Protein change: p.Ser2678Thr; replaces serine 2678 with threonine.
Molecular consequence: missense variant.
Genome position (GRCh38, 1-based): chrX:31,627,857, C>G on the plus strand (G>C on the coding strand, the complement: DMD is on the minus strand). VCF-style: chrX-31627857-C-G. GRCh37 (hg19) VCF-style: chrX-31645974-C-G.
Other names: c.8033G>C (NM_004006.2); c.8009G>C, p.Ser2670Thr (NM_000109.4); c.8021G>C, p.Ser2674Thr (NM_004009.3); c.7664G>C, p.Ser2555Thr (NM_004010.3); c.4010G>C, p.Ser1337Thr (NM_004011.4); c.4001G>C, p.Ser1334Thr (NM_004012.4); c.653G>C, p.Ser218Thr (NM_004013.3, NM_004020.4, NM_004021.3 and 2 more transcripts); short protein forms S218T, S2674T, S1337T, S2678T, S1334T, S2555T, S2670T.
Identifiers: ClinVar variation 1520405 (VCV001520405.7), dbSNP rs942124280, ClinGen allele CA412657446.